The following is an entry in ClinVar:

ClinVar aggregate classification (germline): Uncertain significance. Review status: criteria provided, multiple submitters, no conflicts (2 of 4 stars). 2 submissions from 2 submitters: Uncertain significance (2). Last evaluated 2025-12-17.

Submissions (2):

Labcorp Genetics (formerly Invitae), Labcorp
Classification: Uncertain significance. Last evaluated: 2025-12-17. Review status: criteria provided, single submitter. Criteria: Invitae Variant Classification Sherloc (09022015). Collection method: clinical testing. Allele origin: germline.
Comment: This sequence change replaces arginine, which is basic and polar, with histidine, which is basic and polar, at codon 737 of the CACNA1G protein (p.Arg737His). This variant is present in population databases (no rsID available, gnomAD 0.02%). This variant has not been reported in the literature in individuals affected with CACNA1G-related conditions. ClinVar contains an entry for this variant (Variation ID: 1329604). An algorithm developed to predict the effect of missense changes on protein structure and function (PolyPhen-2) suggests that this variant is likely to be tolerated. In summary, the available evidence is currently insufficient to determine the role of this variant in disease. Therefore, it has been classified as a Variant of Uncertain Significance.

GeneDx
Classification: Uncertain significance. Last evaluated: 2021-06-21. Review status: criteria provided, single submitter. Criteria: GeneDx Variant Classification Process June 2021. Collection method: clinical testing. Allele origin: germline. Affected: yes.
Comment: Has not been previously published as pathogenic or benign to our knowledge; In silico analysis supports a deleterious effect on protein structure/function; This variant is associated with the following publications: (PMID: 27535533)

NM_018896.5(CACNA1G):c.2210_2211delinsAT (p.Arg737His)

Gene: CACNA1G (calcium voltage-gated channel subunit alpha1 G; plus strand). Cytogenetic location: 17q21.33.
Variant type: Indel.
Coding change: c.2210_2211delinsAT on transcript NM_018896.5 (MANE Select); coding-DNA positions 2210 to 2211, GA replaced by AT.
Protein change: p.Arg737His; replaces arginine 737 with histidine.
Molecular consequence: missense variant. On other transcripts: non-coding transcript variant (5).
Genome position (GRCh38, 1-based): chr17:50,578,473-50,578,474, GA replaced by AT. VCF-style: chr17-50578473-GA-AT. GRCh37 (hg19) VCF-style: chr17-48655834-GA-AT.
Other names: c.2210_2211delinsAT, p.Arg737His (NM_001256324.2, NM_001256325.2, NM_001256326.2 and 24 more transcripts); short protein forms R737H.
Identifiers: ClinVar variation 1329604 (VCV001329604.6), dbSNP rs2144993709, ClinGen allele CA2573054493.